The following is an entry in ClinVar:

ClinVar aggregate classification (germline): Uncertain significance (1 of 4 stars; one submission).

gnomAD v4.1: 2 of 1,614,228 alleles (0.00012%); highest among the groups gnomAD compares: Non-Finnish European, 0.00017%; no homozygotes.

Submission:

Labcorp Genetics (formerly Invitae), Labcorp
Classification: Uncertain significance. Last evaluated: 2024-11-18. Review status: criteria provided, single submitter. Criteria: Invitae Variant Classification Sherloc (09022015). Collection method: clinical testing. Allele origin: germline.
Comment: This sequence change replaces alanine, which is neutral and non-polar, with valine, which is neutral and non-polar, at codon 99 of the ARPC1B protein (p.Ala99Val). This variant is not present in population databases (gnomAD no frequency). This variant has not been reported in the literature in individuals affected with ARPC1B-related conditions. ClinVar contains an entry for this variant (Variation ID: 1519181). Invitae Evidence Modeling of protein sequence and biophysical properties (such as structural, functional, and spatial information, amino acid conservation, physicochemical variation, residue mobility, and thermodynamic stability) indicates that this missense variant is expected to disrupt ARPC1B protein function with a positive predictive value of 80%. In summary, the available evidence is currently insufficient to determine the role of this variant in disease. Therefore, it has been classified as a Variant of Uncertain Significance.

NM_005720.4(ARPC1B):c.296C>T (p.Ala99Val)

Gene: ARPC1B (actin related protein 2/3 complex subunit 1B; plus strand). Cytogenetic location: 7q22.1.
Variant type: single nucleotide variant.
Coding change: c.296C>T on transcript NM_005720.4 (MANE Select); coding-DNA position 296, C replaced by T.
Protein change: p.Ala99Val; replaces alanine 99 with valine.
Molecular consequence: missense variant.
Genome position (GRCh38, 1-based): chr7:99,388,165, C>T. VCF-style: chr7-99388165-C-T. GRCh37 (hg19) VCF-style: chr7-98985788-C-T.
Other names: short protein forms A99V.
Identifiers: ClinVar variation 1519181 (VCV001519181.6), dbSNP rs2150894089, ClinGen allele CA368318759.